The following is an entry in ClinVar:

ClinVar aggregate classification (germline): Benign/Likely benign. Review status: criteria provided, multiple submitters, no conflicts (2 of 4 stars). 3 submissions from 3 submitters: Benign (1); Likely benign (2). Last evaluated 2025-10-28.

Conditions:
Birt-Hogg-Dube syndrome. Also called: Birt Hogg Dubé syndrome. Identifiers: Orphanet 122, MedGen C0346010, MONDO:0800444.
Birt-Hogg-Dube syndrome 1 (BHD1). Also called: FIBROFOLLICULOMAS WITH TRICHODISCOMAS AND ACROCHORDONS. Identifiers: Orphanet 122, MedGen CN375946, MONDO:0800445, OMIM 135150.
Hereditary cancer-predisposing syndrome. Also called: Hereditary Cancer Syndrome; Tumor predisposition; Hereditary neoplastic syndrome; Neoplastic Syndromes, Hereditary. Identifiers: Orphanet 140162, MedGen C0027672, MeSH D009386, MONDO:0015356.

Submissions (3):

Ambry Genetics
Classification: Likely benign for Hereditary cancer-predisposing syndrome. Last evaluated: 2025-10-28. Review status: criteria provided, single submitter. Criteria: Ambry Variant Classification Scheme 2023. Collection method: clinical testing. Allele origin: germline.

Myriad Genetics, Inc.
Classification: Benign for Birt-Hogg-Dube syndrome 1. Last evaluated: 2024-10-24. Review status: criteria provided, single submitter. Criteria: Myriad Autosomal Dominant, Autosomal Recessive and X-Linked Classification Criteria (2023). Collection method: clinical testing. Allele origin: unknown.
Comment: This variant is considered benign. This variant is a silent/synonymous amino acid change and it is not expected to impact splicing.

Labcorp Genetics (formerly Invitae), Labcorp
Classification: Likely benign for Birt-Hogg-Dube syndrome. Last evaluated: 2023-08-02. Review status: criteria provided, single submitter. Criteria: Invitae Variant Classification Sherloc (09022015). Collection method: clinical testing. Allele origin: germline.

NM_144997.7(FLCN):c.1203C>T (p.Arg401=)

Gene: FLCN (folliculin; minus strand). Cytogenetic location: 17p11.2.
Variant type: single nucleotide variant.
Coding change: c.1203C>T on transcript NM_144997.7 (MANE Select); coding-DNA position 1203, C replaced by T.
Protein change: p.Arg401=; no amino-acid change (arginine 401 retained).
Molecular consequence: synonymous variant.
Genome position (GRCh38, 1-based): chr17:17,216,477, G>A on the plus strand (C>T on the coding strand, the complement: FLCN is on the minus strand). VCF-style: chr17-17216477-G-A. GRCh37 (hg19) VCF-style: chr17-17119791-G-A.
Other names: c.1257C>T, p.Arg419= (NM_001353229.2); c.1203C>T, p.Arg401= (NM_001353230.2, NM_001353231.2).
Identifiers: ClinVar variation 2749197 (VCV002749197.5), dbSNP rs2544163975, ClinGen allele CA498163278.